The following is an entry in ClinVar:

ClinVar aggregate classification (germline): Benign. Review status: criteria provided, multiple submitters, no conflicts (2 of 4 stars). 3 submissions from 3 submitters: Benign (3). Last evaluated 2018-09-17.

Conditions:
Hyperalphalipoproteinemia 1 (HALP1). Also called: CETP-Related Hyperalphalipoproteinemia; CETP DEFICIENCY. Identifiers: MedGen C3149462, OMIM 143470.

Allele frequency attached by ClinVar (database versions not stated): 1000 Genomes Project 30x 0.15178; gnomAD 0.16427 and 0.16507; 1000 Genomes Project 0.15535; TOPMed 0.15615.
gnomAD v4.1: 225,024 of 1,303,282 alleles (17%); highest among the groups gnomAD compares: Middle Eastern, 20%; 20,279 homozygotes.

Submissions (3):

GeneDx
Classification: Benign. Last evaluated: 2018-09-17. Review status: criteria provided, single submitter. Criteria: GeneDx Variant Classification Process June 2021. Collection method: clinical testing. Allele origin: germline. Affected: yes.
Comment: This variant is associated with the following publications: (PMID: 8830936, 27768712)

Illumina Laboratory Services, Illumina
Classification: Benign for Hyperalphalipoproteinemia 1. Last evaluated: 2018-03-06. Review status: criteria provided, single submitter. Criteria: ICSL Variant Classification Criteria 13 December 2019. Collection method: clinical testing. Allele origin: germline.
Comment: This variant was observed in the ICSL laboratory as part of a predisposition screen in an ostensibly healthy population. It had not been previously curated by ICSL or reported in the Human Gene Mutation Database (HGMD: prior to June 1st, 2018), and was therefore a candidate for classification through an automated scoring system. Utilizing variant allele frequency, disease prevalence and penetrance estimates, and inheritance mode, an automated score was calculated to assess if this variant is too frequent to cause the disease. Based on the score and internal cut-off values, a variant classified as benign is not then subjected to further curation. The score for this variant resulted in a classification of benign for this disease.

Breakthrough Genomics
Classification: Benign. Review status: criteria provided, single submitter. Criteria: ACMG Guidelines, 2015. Collection method: not provided. Allele origin: germline. Inheritance: Autosomal dominant inheritance. Affected: yes.

NM_000078.3(CETP):c.*84G>A

Gene: CETP (cholesteryl ester transfer protein; plus strand). Cytogenetic location: 16q13.
Variant type: single nucleotide variant.
Coding change: c.*84G>A on transcript NM_000078.3 (MANE Select); 84 bases downstream of the stop codon, G replaced by A.
Molecular consequence: 3 prime UTR variant.
Genome position (GRCh38, 1-based): chr16:56,983,750, G>A. VCF-style: chr16-56983750-G-A. GRCh37 (hg19) VCF-style: chr16-57017662-G-A.
Other names: c.*84G>A (NM_001286085.2).
Identifiers: ClinVar variation 320000 (VCV000320000.7), dbSNP rs1801706, ClinGen allele CA10638110.